The following is an entry in ClinVar:

ClinVar aggregate classification (germline): Conflicting classifications of pathogenicity. Review status: criteria provided, conflicting classifications (1 of 4 stars). 3 submissions from 3 submitters: Uncertain significance (1); Likely benign (2). Last evaluated 2026-01-18.

Conditions:
Cardiovascular phenotype. Identifiers: MedGen CN230736.

Allele frequency attached by ClinVar (database versions not stated): ExAC 0.00008; 1000 Genomes Project 30x 0.00016; 1000 Genomes Project 0.00020.
gnomAD v4.1: 35 of 1,608,012 alleles (0.0022%); highest among the groups gnomAD compares: East Asian, 0.062%; no homozygotes.

Submissions (3):

Labcorp Genetics (formerly Invitae), Labcorp
Classification: Uncertain significance. Last evaluated: 2026-01-18. Review status: criteria provided, single submitter. Criteria: Invitae Variant Classification Sherloc (09022015). Collection method: clinical testing. Allele origin: germline.
Comment: This sequence change replaces proline, which is neutral and non-polar, with serine, which is neutral and polar, at codon 763 of the ALPK3 protein (p.Pro763Ser). This variant is present in population databases (rs200967348, gnomAD 0.1%). This variant has not been reported in the literature in individuals affected with ALPK3-related conditions. ClinVar contains an entry for this variant (Variation ID: 1789026). Invitae Evidence Modeling of protein sequence and biophysical properties (such as structural, functional, and spatial information, amino acid conservation, physicochemical variation, residue mobility, and thermodynamic stability) indicates that this missense variant is not expected to disrupt ALPK3 protein function with a negative predictive value of 80%. In summary, the available evidence is currently insufficient to determine the role of this variant in disease. Therefore, it has been classified as a Variant of Uncertain Significance.

Ambry Genetics
Classification: Likely benign for Cardiovascular phenotype. Last evaluated: 2024-10-16. Review status: criteria provided, single submitter. Criteria: Ambry Variant Classification Scheme 2023. Collection method: clinical testing. Allele origin: germline.

Blueprint Genetics
Classification: Likely benign. Last evaluated: 2022-04-13. Review status: criteria provided, single submitter. Criteria: ACMG Guidelines, 2015. Collection method: clinical testing. Allele origin: germline.

NM_020778.5(ALPK3):c.1681C>T (p.Pro561Ser)

Gene: ALPK3 (alpha kinase 3; plus strand). Cytogenetic location: 15q25.3.
Variant type: single nucleotide variant.
Coding change: c.1681C>T on transcript NM_020778.5 (MANE Select); coding-DNA position 1681, C replaced by T.
Protein change: p.Pro561Ser; replaces proline 561 with serine.
Molecular consequence: missense variant.
Genome position (GRCh38, 1-based): chr15:84,856,419, C>T. VCF-style: chr15-84856419-C-T. GRCh37 (hg19) VCF-style: chr15-85399650-C-T.
Other names: short protein forms P561S.
Identifiers: ClinVar variation 1789026 (VCV001789026.9), dbSNP rs200967348, ClinGen allele CA7709267.
Genomic context (GRCh38, chr15:84,856,419, plus strand): 5'-GTTAAATCCTTGCTTTTGTCCCTCTGTTTTCAGGTCCTGGAATGCCAGACAACCACGGCT[C>T]CTACCATGTCGGCCAGCAGCAGCTCTGATGTAGCCTCCATTGGGGTTAGCACTTCCGGAA-3'
Protein context (NP_065829.4, residues 551-571): EVLECQTTTA[Pro561Ser]TMSASSSSDV